The following is an entry in ClinVar:

NM_001035.3(RYR2):c.4751C>T (p.Pro1584Leu)

Gene: RYR2 (ryanodine receptor 2; plus strand). Cytogenetic location: 1q43.
Variant type: single nucleotide variant.
Coding change: c.4751C>T on transcript NM_001035.3 (MANE Select); coding-DNA position 4751, C replaced by T.
Protein change: p.Pro1584Leu; replaces proline 1584 with leucine.
Molecular consequence: missense variant.
Genome position (GRCh38, 1-based): chr1:237,610,829, C>T. VCF-style: chr1-237610829-C-T. GRCh37 (hg19) VCF-style: chr1-237774129-C-T.
Other names: c.4751C>T (NM_001035.2); short protein forms P1584L.
Identifiers: ClinVar variation 923892 (VCV000923892.16), dbSNP rs772098320, ClinGen allele CA086727.

ClinVar aggregate classification (germline): Uncertain significance. Review status: criteria provided, multiple submitters, no conflicts (2 of 4 stars). 4 submissions from 4 submitters: Uncertain significance (4). Last evaluated 2026-08-08.

Conditions:
Catecholaminergic polymorphic ventricular tachycardia (CVPT). Also called: Catecholamine-induced polymorphic ventricular tachycardia. Identifiers: Orphanet 3286, MedGen C5574922, MONDO:0017990.
Cardiomyopathy (CMYO). Also called: Cardiomyopathies. Identifiers: Orphanet 167848, MedGen C0878544, MONDO:0004994, HP:0001638. Inheritance: Various modes of inheritance.
Cardiovascular phenotype. Identifiers: MedGen CN230736.
Catecholaminergic polymorphic ventricular tachycardia 1. Also called: VENTRICULAR TACHYCARDIA, CATECHOLAMINERGIC POLYMORPHIC, 1, WITH OR WITHOUT ATRIAL DYSFUNCTION AND/OR DILATED CARDIOMYOPATHY; RYR2-Related Catecholaminergic Polymorphic Ventricular Tachycardia; VENTRICULAR TACHYCARDIA, STRESS-INDUCED POLYMORPHIC 1. Identifiers: Orphanet 3286, MedGen C1631597, MONDO:0011484, OMIM 604772.

Allele frequency attached by ClinVar (database versions not stated): gnomAD exomes below 0.00001; ExAC 0.00001.
gnomAD v4.1: 5 of 1,612,458 alleles (0.00031%); highest among the groups gnomAD compares: Admixed American, 0.0017%; no homozygotes.

Submissions (4):

Ambry Genetics
Classification: Uncertain significance for Cardiovascular phenotype. Last evaluated: 2026-08-08. Review status: criteria provided, single submitter. Criteria: Ambry Variant Classification Scheme 2023. Collection method: clinical testing. Allele origin: germline.
Comment: The p.P1584L variant (also known as c.4751C>T), located in coding exon 36 of the RYR2 gene, results from a C to T substitution at nucleotide position 4751. The proline at codon 1584 is replaced by leucine, an amino acid with similar properties. This amino acid position is conserved. In addition, this alteration is predicted to be deleterious by in silico analysis. Based on the available evidence, the clinical significance of this variant remains unclear.

All of Us Research Program, National Institutes of Health
Classification: Uncertain significance for Catecholaminergic polymorphic ventricular tachycardia. Last evaluated: 2024-03-05. Review status: criteria provided, single submitter. Criteria: ACMG Guidelines, 2015. Collection method: clinical testing. Allele origin: germline. Inheritance: Autosomal dominant inheritance. Observed: 1 variant allele, 1 heterozygote.
Comment: This missense variant replaces proline with leucine at codon 1584 of the RYR2 protein. Computational prediction tools and conservation analyses suggest that this variant may have deleterious impact on the protein function. Computational splicing tools suggest that this variant may not impact RNA splicing. To our knowledge, functional assays have not been performed for this variant nor has this variant been reported in individuals affected with cardiovascular disorders in the literature. This variant has been identified in 1/246292 chromosomes in the general population by the Genome Aggregation Database (gnomAD). Available evidence is insufficient to determine the role of this variant in disease conclusively. Therefore, this variant is classified as a Variant of Uncertain Significance.

This study involves interpretation of variants in research participants for the purpose of population health screening. Participant phenotype was not available at the time of variant classification. Additional details can be found in publication PMID: 35346344, PMCID: PMC8962531

Color Diagnostics, LLC DBA Color Health
Classification: Uncertain significance for Cardiomyopathy. Last evaluated: 2023-12-05. Review status: criteria provided, single submitter. Criteria: ACMG Guidelines, 2015. Collection method: clinical testing. Allele origin: germline.
Comment: This missense variant replaces proline with leucine at codon 1584 of the RYR2 protein. Computational prediction tools and conservation analyses suggest that this variant may have deleterious impact on the protein function. Computational splicing tools suggest that this variant may not impact RNA splicing. To our knowledge, functional assays have not been performed for this variant nor has this variant been reported in individuals affected with cardiovascular disorders in the literature. This variant has been identified in 1/246292 chromosomes in the general population by the Genome Aggregation Database (gnomAD). Available evidence is insufficient to determine the role of this variant in disease conclusively. Therefore, this variant is classified as a Variant of Uncertain Significance.

Labcorp Genetics (formerly Invitae), Labcorp
Classification: Uncertain significance for Catecholaminergic polymorphic ventricular tachycardia 1. Last evaluated: 2021-06-14. Review status: criteria provided, single submitter. Criteria: Invitae Variant Classification Sherloc (09022015). Collection method: clinical testing. Allele origin: germline.
Comment: In summary, the available evidence is currently insufficient to determine the role of this variant in disease. Therefore, it has been classified as a Variant of Uncertain Significance. Advanced modeling of protein sequence and biophysical properties (such as structural, functional, and spatial information, amino acid conservation, physicochemical variation, residue mobility, and thermodynamic stability) performed at Invitae indicates that this missense variant is expected to disrupt RYR2 protein function. This variant has not been reported in the literature in individuals with RYR2-related conditions. ClinVar contains an entry for this variant (Variation ID: 923892). This variant is present in population databases (rs772098320, ExAC 0.01%). This sequence change replaces proline with leucine at codon 1584 of the RYR2 protein (p.Pro1584Leu). The proline residue is highly conserved and there is a moderate physicochemical difference between proline and leucine.